The following is an entry in ClinVar:

ClinVar aggregate classification (germline): Uncertain significance (1 of 4 stars; one submission).

Allele frequency attached by ClinVar (database versions not stated): ExAC 0.00001; TOPMed 0.00001; gnomAD 0.00002.
gnomAD v4.1: 16 of 1,613,164 alleles (0.00099%); highest among the groups gnomAD compares: African/African-American, 0.0027%; no homozygotes.

Submission:

Labcorp Genetics (formerly Invitae), Labcorp
Classification: Uncertain significance. Last evaluated: 2023-08-29. Review status: criteria provided, single submitter. Criteria: Invitae Variant Classification Sherloc (09022015). Collection method: clinical testing. Allele origin: germline.
Comment: This variant is present in population databases (rs750801523, gnomAD 0.008%). This sequence change replaces arginine, which is basic and polar, with threonine, which is neutral and polar, at codon 441 of the CFH protein (p.Arg441Thr). This variant has not been reported in the literature in individuals affected with CFH-related conditions. In summary, the available evidence is currently insufficient to determine the role of this variant in disease. Therefore, it has been classified as a Variant of Uncertain Significance. Algorithms developed to predict the effect of missense changes on protein structure and function output the following: SIFT: "Not Available"; PolyPhen-2: "Benign"; Align-GVGD: "Not Available". The threonine amino acid residue is found in multiple mammalian species, which suggests that this missense change does not adversely affect protein function. ClinVar contains an entry for this variant (Variation ID: 2155281).

NM_000186.4(CFH):c.1322G>C (p.Arg441Thr)

Gene: CFH (complement factor H; plus strand). Cytogenetic location: 1q31.3.
Variant type: single nucleotide variant.
Coding change: c.1322G>C on transcript NM_000186.4 (MANE Select); coding-DNA position 1322, G replaced by C.
Protein change: p.Arg441Thr; replaces arginine 441 with threonine.
Molecular consequence: missense variant.
Genome position (GRCh38, 1-based): chr1:196,690,225, G>C. VCF-style: chr1-196690225-G-C. GRCh37 (hg19) VCF-style: chr1-196659355-G-C.
Other names: c.1322G>C, p.Arg441Thr (NM_001014975.3); short protein forms R441T.
Identifiers: ClinVar variation 2155281 (VCV002155281.3), dbSNP rs750801523, ClinGen allele CA1305305.